The following is an entry in ClinVar:

ClinVar aggregate classification (germline): drug response. Review status: practice guideline (4 of 4 stars). 2 submissions from 2 submitters: drug response (1). 1 of the submissions does not count toward it.

Conditions:
CYP2C19: normal function.

Submissions (2):

Clinical Pharmacogenetics Implementation Consortium
Classification: drug response for CYP2C19: normal function. Review status: practice guideline. Criteria: Clinical Pharmacogenetics Implementation Consortium. Collection method: curation. Allele origin: germline.

CeGaT Center for Human Genetics Tuebingen
Classification: Likely benign. Last evaluated: 2024-01-01. Review status: criteria provided, single submitter. Criteria: CeGaT Center For Human Genetics Tuebingen Variant Classification Criteria Version 2. Collection method: clinical testing. Allele origin: germline. Affected: yes. Observed: 1 variant allele. Not counted in ClinVar's aggregate classification.
Comment: CYP2C19: BP4, BS2

CYP2C19*11

Variant type: Haplotype, single variant.
Identifiers: ClinVar variation 633845 (VCV000633845.23).